The following is an entry in ClinVar:

NM_000138.5(FBN1):c.1214C>A (p.Pro405His)

Gene: FBN1 (fibrillin 1; minus strand). Cytogenetic location: 15q21.1.
Variant type: single nucleotide variant.
Coding change: c.1214C>A on transcript NM_000138.5 (MANE Select); coding-DNA position 1214, C replaced by A.
Protein change: p.Pro405His; replaces proline 405 with histidine.
Molecular consequence: missense variant.
Genome position (GRCh38, 1-based): chr15:48,516,296, G>T on the plus strand (C>A on the coding strand, the complement: FBN1 is on the minus strand). VCF-style: chr15-48516296-G-T. GRCh37 (hg19) VCF-style: chr15-48808493-G-T.
Other names: c.1214C>A, p.Pro405His (NM_001406716.1); short protein forms P405H.
Identifiers: ClinVar variation 4756933 (VCV004756933.1).

ClinVar aggregate classification (germline): Uncertain significance (1 of 4 stars; one submission).

Conditions:
Familial thoracic aortic aneurysm and aortic dissection (TAAD). Also called: Thoracic aortic aneurysms and dissections. Identifiers: Orphanet 91387, MedGen C4707243, MONDO:0019625.

Submission:

Color Diagnostics, LLC DBA Color Health
Classification: Uncertain significance for Familial thoracic aortic aneurysm and aortic dissection. Last evaluated: 2025-06-09. Review status: criteria provided, single submitter. Criteria: ACMG Guidelines, 2015. Collection method: clinical testing. Allele origin: germline.
Comment: This missense variant replaces proline with histidine at codon 405 of the FBN1 protein. Computational prediction suggests that this variant may not impact protein structure and function. To our knowledge, functional studies have not been reported for this variant. This variant has not been reported in individuals affected with FBN1-related disorders in the literature. This variant has not been identified in the general population by the Genome Aggregation Database (gnomAD). The available evidence is insufficient to determine the role of this variant in disease conclusively. Therefore, this variant is classified as a Variant of Uncertain Significance.